The following is an entry in ClinVar:

NM_004928.3(CFAP410):c.517G>A (p.Asp173Asn)

Gene: CFAP410 (cilia and flagella associated protein 410; minus strand). Cytogenetic location: 21q22.3.
Variant type: single nucleotide variant.
Coding change: c.517G>A on transcript NM_004928.3 (MANE Select); coding-DNA position 517, G replaced by A.
Protein change: p.Asp173Asn; replaces aspartic acid 173 with asparagine.
Molecular consequence: missense variant.
Genome position (GRCh38, 1-based): chr21:44,331,871, C>T on the plus strand (G>A on the coding strand, the complement: CFAP410 is on the minus strand). VCF-style: chr21-44331871-C-T. GRCh37 (hg19) VCF-style: chr21-45751754-C-T.
Other names: c.517G>A, p.Asp173Asn (NM_001271440.2, NM_001271441.2); c.394G>A, p.Asp132Asn (NM_001271442.1); short protein forms D132N, D173N.
Identifiers: ClinVar variation 2001714 (VCV002001714.4), dbSNP rs2518047330, ClinGen allele CA410453520.

ClinVar aggregate classification (germline): Uncertain significance (1 of 4 stars; one submission).

Allele frequency attached by ClinVar (database versions not stated): gnomAD exomes below 0.00001.
gnomAD v4.1: 1 of 1,612,264 alleles (0.000062%); highest among the groups gnomAD compares: African/African-American, 0.0013%; no homozygotes.

Submission:

Labcorp Genetics (formerly Invitae), Labcorp
Classification: Uncertain significance. Last evaluated: 2022-07-31. Review status: criteria provided, single submitter. Criteria: Invitae Variant Classification Sherloc (09022015). Collection method: clinical testing. Allele origin: germline.
Comment: Algorithms developed to predict the effect of missense changes on protein structure and function are either unavailable or do not agree on the potential impact of this missense change (SIFT: "Tolerated"; PolyPhen-2: "Possibly Damaging"; Align-GVGD: "Class C0"). This variant has not been reported in the literature in individuals affected with CFAP410-related conditions. This variant is not present in population databases (gnomAD no frequency). This sequence change replaces aspartic acid, which is acidic and polar, with asparagine, which is neutral and polar, at codon 173 of the CFAP410 protein (p.Asp173Asn). In summary, the available evidence is currently insufficient to determine the role of this variant in disease. Therefore, it has been classified as a Variant of Uncertain Significance.